The following is an entry in ClinVar:

ClinVar aggregate classification (germline): Uncertain significance (1 of 4 stars; one submission).

Submission:

Dasa
Classification: Uncertain significance. Last evaluated: 2026-01-30. Review status: criteria provided, single submitter. Criteria: DASA Assertion Criteria. Collection method: clinical testing. Allele origin: germline.
Comment: NM_001393504.1(MAST3):c.3348G>T (p.Lys1116Asn) is a missense variant that results in the substitution of lysine with asparagine. This variant is rare in population databases. The currently available literature and clinical evidence are not sufficient to establish a definitive association between this variant and the reported condition. Therefore, this variant is classified as a variant of uncertain significance.

NM_001393504.1(MAST3):c.3348G>T (p.Lys1116Asn)

Gene: MAST3 (microtubule associated serine/threonine kinase 3; plus strand). Cytogenetic location: 19p13.11.
Variant type: single nucleotide variant.
Coding change: c.3348G>T on transcript NM_001393504.1 (MANE Select); coding-DNA position 3348, G replaced by T.
Protein change: p.Lys1116Asn; replaces lysine 1116 with asparagine.
Molecular consequence: missense variant.
Genome position (GRCh38, 1-based): chr19:18,147,464, G>T. VCF-style: chr19-18147464-G-T. GRCh37 (hg19) VCF-style: chr19-18258274-G-T.
Other names: c.3372G>T, p.Lys1124Asn (NM_001393501.1); c.3351G>T, p.Lys1117Asn (NM_001393502.1); c.3348G>T, p.Lys1116Asn (NM_001393503.1); c.3318G>T, p.Lys1106Asn (NM_001393505.1); c.3300G>T, p.Lys1100Asn (NM_001393506.1, NM_001393507.1); c.3282G>T, p.Lys1094Asn (NM_001393508.1); c.3279G>T, p.Lys1093Asn (NM_001393509.1, NM_001393510.1); c.3276G>T, p.Lys1092Asn (NM_001393511.1, NM_001393512.1); and 9 more; short protein forms K1069N, K1077N, K1078N, K1083N, K1084N, K1085N, K1086N, K1087N.
Identifiers: ClinVar variation 4883567 (VCV004883567.2).